The following is an entry in ClinVar:

NM_005732.4(RAD50):c.885+5G>A

Gene: RAD50 (RAD50 double strand break repair protein; plus strand). Cytogenetic location: 5q31.1.
Variant type: single nucleotide variant.
Coding change: c.885+5G>A on transcript NM_005732.4 (MANE Select); 5 bases into the intron after coding-DNA position 885, G replaced by A.
Molecular consequence: intron variant.
Genome position (GRCh38, 1-based): chr5:132,587,695, G>A. VCF-style: chr5-132587695-G-A. GRCh37 (hg19) VCF-style: chr5-131923387-G-A.
Identifiers: ClinVar variation 231888 (VCV000231888.20), dbSNP rs200264387, ClinGen allele CA3405045.

ClinVar aggregate classification (germline): Conflicting classifications of pathogenicity. Review status: criteria provided, conflicting classifications (1 of 4 stars). 5 submissions from 5 submitters: Uncertain significance (4); Likely benign (1). Last evaluated 2026-01-19.

Conditions:
Hereditary cancer-predisposing syndrome. Also called: Neoplastic Syndromes, Hereditary; Tumor predisposition; Hereditary Cancer Syndrome; Hereditary neoplastic syndrome. Identifiers: Orphanet 140162, MedGen C0027672, MeSH D009386, MONDO:0015356.
Nijmegen breakage syndrome-like disorder (NBSLD). Also called: MICROCEPHALY AND SPONTANEOUS CHROMOSOME INSTABILITY WITHOUT IMMUNODEFICIENCY; NBS-LIKE DISORDER; RAD50 DEFICIENCY. Identifiers: Orphanet 240760, MedGen C2751318, MONDO:0013118, OMIM 613078.

Allele frequency attached by ClinVar (database versions not stated): gnomAD 0.00001; ExAC 0.00002; gnomAD exomes 0.00003 and 0.00006; TOPMed 0.00007; 1000 Genomes Project 30x 0.00016; 1000 Genomes Project 0.00020.
gnomAD v4.1: 45 of 1,613,592 alleles (0.0028%); highest among the groups gnomAD compares: Admixed American, 0.033%; no homozygotes.

Submissions (5):

Labcorp Genetics (formerly Invitae), Labcorp
Classification: Likely benign for Hereditary cancer-predisposing syndrome. Last evaluated: 2026-01-19. Review status: criteria provided, single submitter. Criteria: Invitae Variant Classification Sherloc (09022015). Collection method: clinical testing. Allele origin: germline.

Women's Health and Genetics/Laboratory Corporation of America, LabCorp
Classification: Uncertain significance. Last evaluated: 2025-09-30. Review status: criteria provided, single submitter. Criteria: LabCorp Variant Classification Summary - May 2015. Collection method: clinical testing. Allele origin: germline.
Comment: Variant summary: RAD50 c.885+5G>A alters a non-conserved nucleotide located close to a canonical splice site and therefore could affect mRNA splicing, leading to a significantly altered protein sequence. Several computational tools predict a significant impact on normal splicing: Two predict the variant abolishes a 5' splicing donor site. One predicts the variant weakens a 5' donor site. One predicts the variant no significant impact on splicing. However, these predictions have yet to be confirmed by functional studies. The variant allele was found at a frequency of 6e-05 in 250534 control chromosomes. This frequency is not significantly higher than estimated for disease-causing variants in RAD50, allowing no conclusion about variant significance. To our knowledge, no occurrence of c.885+5G>A in individuals affected with RAD50-related conditions and no experimental evidence demonstrating its impact on protein function have been reported. ClinVar contains an entry for this variant (Variation ID: 231888). Based on the evidence outlined above, the variant was classified as uncertain significance.

Quest Diagnostics Nichols Institute San Juan Capistrano
Classification: Uncertain significance. Last evaluated: 2024-07-12. Review status: criteria provided, single submitter. Criteria: Quest Diagnostics criteria. Collection method: clinical testing. Allele origin: unknown.
Comment: The RAD50 c.885+5G>A variant has been reported in the published literature in a case-control study of breast cancer. However, it was not specified whether the variant was identified in an individual with breast cancer or a reportedly healthy individual (PMID: 26787654 (2016)). The frequency of this variant in the general population, 0.00038 (13/34550 chromosomes (Genome Aggregation Database)), is uninformative in the assessment of its pathogenicity. Analysis of this variant using software algorithms for the prediction of the effect of nucleotide changes on splicing yielded predictions that this variant may affect proper RAD50 mRNA splicing. Based on the available information, we are unable to determine the clinical significance of this variant.

Baylor Genetics
Classification: Uncertain significance for Nijmegen breakage syndrome-like disorder. Last evaluated: 2023-12-28. Review status: criteria provided, single submitter. Criteria: ACMG Guidelines, 2015. Collection method: clinical testing. Allele origin: unknown.

Ambry Genetics
Classification: Uncertain significance for Hereditary cancer-predisposing syndrome. Last evaluated: 2023-07-12. Review status: criteria provided, single submitter. Criteria: Ambry Variant Classification Scheme 2023. Collection method: clinical testing. Allele origin: germline.
Comment: The c.885+5G>A intronic variant results from a G to A substitution 5 nucleotides after coding exon 6 in the RAD50 gene. This nucleotide position is well conserved in available vertebrate species. In silico splice site analysis predicts that this alteration will result in the creation or strengthening of a novel splice donor site. Since supporting evidence is limited at this time, the clinical significance of this alteration remains unclear.

Literature cited by the submitters: PubMed 26787654 (cited by 3 submitters); PubMed 24894818 (cited by Women's Health and Genetics/Laboratory Corporation of America, LabCorp).